The following is an entry in ClinVar:

NM_018429.3(BDP1):c.4310G>C (p.Arg1437Pro)

Gene: BDP1 (BDP1 general transcription factor IIIB subunit; plus strand). Cytogenetic location: 5q13.2.
Variant type: single nucleotide variant.
Coding change: c.4310G>C on transcript NM_018429.3 (MANE Select); coding-DNA position 4310, G replaced by C.
Protein change: p.Arg1437Pro; replaces arginine 1437 with proline.
Molecular consequence: missense variant.
Genome position (GRCh38, 1-based): chr5:71,513,247, G>C. VCF-style: chr5-71513247-G-C. GRCh37 (hg19) VCF-style: chr5-70809074-G-C.
Other names: short protein forms R1437P.
Identifiers: ClinVar variation 4980635 (VCV004980635.1).

ClinVar aggregate classification (germline): Uncertain significance (1 of 4 stars; one submission).

Conditions:
BDP1-related disorder. Also called: BDP1-related condition.

gnomAD v4.1: 136 of 1,613,488 alleles (0.0084%); highest among the groups gnomAD compares: Middle Eastern, 0.017%; 1 homozygote.

Submission:

PreventionGenetics, part of Exact Sciences
Classification: Uncertain significance for BDP1-related condition. Last evaluated: 2025-09-11. Review status: criteria provided, single submitter. Criteria: ACMG Guidelines, 2015. Collection method: clinical testing. Allele origin: germline.
Comment: The BDP1 c.4310G>C variant is predicted to result in the amino acid substitution p.Arg1437Pro. To our knowledge, this variant has not been reported in the literature. This variant is reported in 0.068% of alleles in individuals of European (Finnish) descent in gnomAD. Although we suspect that this variant may be benign, at this time, the clinical significance of this variant is uncertain due to the absence of conclusive functional and genetic evidence.